The following is an entry in ClinVar:

ClinVar aggregate classification (germline): Likely pathogenic (1 of 4 stars; one submission).

Conditions:
Joubert syndrome. Also called: CEREBELLOPARENCHYMAL DISORDER IV; JOUBERT-BOLTSHAUSER SYNDROME; Familial aplasia of the vermis. Identifiers: Orphanet 475, MedGen C5979921, MONDO:0018772.
Meckel-Gruber syndrome. Also called: DYSENCEPHALIA SPLANCHNOCYSTICA; GRUBER SYNDROME; Dysencephalia splachnocystica. Identifiers: Orphanet 564, MedGen C0265215, MONDO:0018921.

Allele frequency attached by ClinVar (database versions not stated): gnomAD 0.00001; gnomAD exomes below 0.00001.

Submission:

Labcorp Genetics (formerly Invitae), Labcorp
Classification: Likely pathogenic for Joubert syndrome; Meckel-Gruber syndrome. Last evaluated: 2022-08-23. Review status: criteria provided, single submitter. Criteria: Invitae Variant Classification Sherloc (09022015). Collection method: clinical testing. Allele origin: germline.
Comment: This variant has not been reported in the literature in individuals affected with MKS1-related conditions. This variant is not present in population databases (gnomAD no frequency). This sequence change affects an acceptor splice site in intron 15 of the MKS1 gene. It is expected to disrupt RNA splicing. Variants that disrupt the donor or acceptor splice site typically lead to a loss of protein function (PMID: 16199547), and loss-of-function variants in MKS1 are known to be pathogenic (PMID: 19466712, 24886560, 26490104). Algorithms developed to predict the effect of sequence changes on RNA splicing suggest that this variant may disrupt the consensus splice site. In summary, the currently available evidence indicates that the variant is pathogenic, but additional data are needed to prove that conclusively. Therefore, this variant has been classified as Likely Pathogenic.

Literature cited by the submitters: PubMed 16199547; PubMed 19466712; PubMed 24886560; PubMed 26490104.

NM_017777.4(MKS1):c.1408-2_1408-1del

Gene: MKS1 (MKS transition zone complex subunit 1; minus strand). Cytogenetic location: 17q22.
Variant type: Deletion.
Coding change: c.1408-2_1408-1del on transcript NM_017777.4 (MANE Select); the canonical splice acceptor site of the intron before coding-DNA position 1408, 2 bases deleted (AG; older notation c.1408-2_1408-1delAG).
Molecular consequence: splice acceptor variant. On other transcripts: intron variant (2).
Genome position (GRCh38, 1-based): chr17:58,206,548-58,206,549, CT deleted on the plus strand (AG on the coding strand, the reverse complement: MKS1 is on the minus strand). VCF-style (leftmost placement, unchanged base first): chr17-58206547-CCT-C. GRCh37 (hg19) VCF-style: chr17-56283908-CCT-C.
Other names: c.799-2_799-1del (NM_001321268.2); c.1274-169_1274-168del (NM_001330397.2); c.1408-169_1408-168del (NM_001321269.2).
Identifiers: ClinVar variation 2095138 (VCV002095138.4), dbSNP rs1968523602, ClinGen allele CA985001200.